The following is an entry in ClinVar:

NM_001035.3(RYR2):c.6961G>T (p.Val2321Leu)

Gene: RYR2 (ryanodine receptor 2; plus strand). Cytogenetic location: 1q43.
Variant type: single nucleotide variant.
Coding change: c.6961G>T on transcript NM_001035.3 (MANE Select); coding-DNA position 6961, G replaced by T.
Protein change: p.Val2321Leu; replaces valine 2321 with leucine.
Molecular consequence: missense variant.
Genome position (GRCh38, 1-based): chr1:237,639,047, G>T. VCF-style: chr1-237639047-G-T. GRCh37 (hg19) VCF-style: chr1-237802347-G-T.
Other names: short protein forms V2321L.
Identifiers: ClinVar variation 4756530 (VCV004756530.1).
Genomic context (GRCh38, chr1:237,639,047, plus strand): 5'-TTTACTTATCTTCCCCATTCTACTTTAGGGGAGAGTGTGGAGGAAAATGCAAATGTCGTG[G>T]TGAGATTGCTCATTCGGAGGCCTGAGTGTTTTGGTCCTGCTTTGAGAGGAGAAGGTGGGA-3'
Protein context (NP_001026.2, residues 2311-2331): ESVEENANVV[Val2321Leu]RLLIRRPECF

ClinVar aggregate classification (germline): Uncertain significance (1 of 4 stars; one submission).

Conditions:
Cardiomyopathy (CMYO). Also called: Cardiomyopathies. Identifiers: Orphanet 167848, MedGen C0878544, MONDO:0004994, HP:0001638. Inheritance: Various modes of inheritance.

gnomAD v4.1: 16 of 1,613,858 alleles (0.00099%); highest among the groups gnomAD compares: Non-Finnish European, 0.0014%; no homozygotes.

Submission:

Color Diagnostics, LLC DBA Color Health
Classification: Uncertain significance for Cardiomyopathy. Last evaluated: 2025-09-23. Review status: criteria provided, single submitter. Criteria: ACMG Guidelines, 2015. Collection method: clinical testing. Allele origin: germline.
Comment: This missense variant replaces valine with leucine at codon 2321 of the RYR2 protein. Computational prediction suggests that this variant may have deleterious impact on protein structure and function. To our knowledge, functional studies have not been reported for this variant. This variant has not been reported in individuals affected with RYR2-related disorders in the literature. This variant has been identified in 1/249148 chromosomes in the general population by the Genome Aggregation Database (gnomAD). The available evidence is insufficient to determine the role of this variant in disease conclusively. Therefore, this variant is classified as a Variant of Uncertain Significance.